The following is an entry in ClinVar:

ClinVar aggregate classification (germline): Uncertain significance (1 of 4 stars; one submission).

Conditions:
TMEM67-related disorder. Also called: TMEM67-related condition; TMEM67-related disorders. Identifiers: MedGen CN239423.

Submission:

PreventionGenetics, part of Exact Sciences
Classification: Uncertain significance for TMEM67-related condition. Last evaluated: 2023-08-14. Review status: criteria provided, single submitter. Criteria: ACMG Guidelines, 2015. Collection method: clinical testing. Allele origin: germline.
Comment: The TMEM67 c.384C>G variant is predicted to result in the amino acid substitution p.His128Gln. To our knowledge, this variant has not been reported in the literature or in a large population database, indicating this variant is rare. At this time, the clinical significance of this variant is uncertain due to the absence of conclusive functional and genetic evidence.

NM_153704.6(TMEM67):c.384C>G (p.His128Gln)

Gene: TMEM67 (transmembrane protein 67; plus strand). Cytogenetic location: 8q22.1.
Variant type: single nucleotide variant.
Coding change: c.384C>G on transcript NM_153704.6 (MANE Select); coding-DNA position 384, C replaced by G.
Protein change: p.His128Gln; replaces histidine 128 with glutamine.
Molecular consequence: missense variant. On other transcripts: non-coding transcript variant (1).
Genome position (GRCh38, 1-based): chr8:93,758,554, C>G. VCF-style: chr8-93758554-C-G. GRCh37 (hg19) VCF-style: chr8-94770782-C-G.
Other names: c.7C>G, p.Leu3Val (NM_001142301.1); short protein forms H128Q, L3V.
Identifiers: ClinVar variation 2630676 (VCV002630676.1), dbSNP rs1294120502, ClinGen allele CA371685895.